The following is an entry in ClinVar:

NM_004431.5(EPHA2):c.2864A>C (p.Gln955Pro)

Gene: EPHA2 (EPH receptor A2; minus strand). Cytogenetic location: 1p36.13.
Variant type: single nucleotide variant.
Coding change: c.2864A>C on transcript NM_004431.5 (MANE Select); coding-DNA position 2864, A replaced by C.
Protein change: p.Gln955Pro; replaces glutamine 955 with proline.
Molecular consequence: missense variant.
Genome position (GRCh38, 1-based): chr1:16,125,282, T>G on the plus strand (A>C on the coding strand, the complement: EPHA2 is on the minus strand). VCF-style: chr1-16125282-T-G. GRCh37 (hg19) VCF-style: chr1-16451777-T-G.
Other names: c.2702A>C, p.Gln901Pro (NM_001329090.2); short protein forms Q901P, Q955P.
Identifiers: ClinVar variation 2580445 (VCV002580445.3), dbSNP rs2524523011, ClinGen allele CA338613615.

ClinVar aggregate classification (germline): Uncertain significance. Review status: criteria provided, multiple submitters, no conflicts (2 of 4 stars). 2 submissions from 2 submitters: Uncertain significance (2). Last evaluated 2024-05-09.

Conditions:
Cataract 6 multiple types. Also called: CATARACT, AGE-RELATED CORTICAL, 2; CATARACT 6, POSTERIOR POLAR; CATARACT 6, CONGENITAL TOTAL. Identifiers: Orphanet 91492, MedGen C1861825, MONDO:0007288, OMIM 116600.

Submissions (2):

Miami Human Genetics, University Of Miami Miller School Of Medicine
Classification: Uncertain significance for Cataract 6 multiple types. Last evaluated: 2024-05-09. Review status: criteria provided, single submitter. Criteria: ACMG Guidelines, 2015. Collection method: research. Allele origin: unknown. Inheritance: Autosomal dominant inheritance. Affected: yes. Observed: 1 heterozygote.

GeneDx
Classification: Uncertain significance. Last evaluated: 2023-03-20. Review status: criteria provided, single submitter. Criteria: GeneDx Variant Classification Process June 2021. Collection method: clinical testing. Allele origin: germline. Affected: yes.
Comment: Not observed at significant frequency in large population cohorts (gnomAD); In silico analysis supports that this missense variant has a deleterious effect on protein structure/function; Has not been previously published as pathogenic or benign to our knowledge